The following is an entry in ClinVar:

ClinVar aggregate classification (germline): Pathogenic (1 of 4 stars; one submission).

Conditions:
Muscular dystrophy-dystroglycanopathy (congenital with brain and eye anomalies), type A2. Also called: MUSCULAR DYSTROPHY-DYSTROGLYCANOPATHY (CONGENITAL WITH BRAIN AND EYE ANOMALIES), TYPE A, 2; WALKER-WARBURG SYNDROME OR MUSCLE-EYE-BRAIN DISEASE, POMT2-RELATED. Identifiers: Orphanet 588, Orphanet 899, MedGen C3150411, MONDO:0013154, OMIM 613150.
Autosomal recessive limb-girdle muscular dystrophy type 2N. Also called: MUSCULAR DYSTROPHY-DYSTROGLYCANOPATHY, LIMB-GIRDLE, POMT2-RELATED; Muscular dystrophy-dystroglycanopathy (limb-girdle), type C, 2. Identifiers: Orphanet 206559, MedGen C3150418, MONDO:0013162, OMIM 613158.
Muscular dystrophy-dystroglycanopathy (congenital with impaired intellectual development), type B, 2. Also called: Muscular dystrophy-dystroglycanopathy (congenital with intellectual disability), type B2; MUSCULAR DYSTROPHY, CONGENITAL, POMT2-RELATED. Identifiers: MedGen C3150416, MONDO:0013160, OMIM 613156.

Allele frequency attached by ClinVar (database versions not stated): gnomAD exomes below 0.00001.
gnomAD v4.1: 1 of 1,612,514 alleles (0.000062%); highest among the groups gnomAD compares: Admixed American, 0.0017%; no homozygotes.

Submission:

Labcorp Genetics (formerly Invitae), Labcorp
Classification: Pathogenic for Muscular dystrophy-dystroglycanopathy (congenital with impaired intellectual development), type B, 2; Muscular dystrophy-dystroglycanopathy (congenital with brain and eye anomalies), type A2; Autosomal recessive limb-girdle muscular dystrophy type 2N. Last evaluated: 2024-09-21. Review status: criteria provided, single submitter. Criteria: Invitae Variant Classification Sherloc (09022015). Collection method: clinical testing. Allele origin: germline.
Comment: This sequence change creates a premature translational stop signal (p.Glu519*) in the POMT2 gene. It is expected to result in an absent or disrupted protein product. Loss-of-function variants in POMT2 are known to be pathogenic (PMID: 15894594). This variant is not present in population databases (gnomAD no frequency). This variant has not been reported in the literature in individuals affected with POMT2-related conditions. ClinVar contains an entry for this variant (Variation ID: 1074015). Algorithms developed to predict the effect of sequence changes on RNA splicing suggest that this variant may disrupt the consensus splice site. For these reasons, this variant has been classified as Pathogenic.

Literature cited by the submitters: PubMed 15894594.

NM_013382.7(POMT2):c.1555G>T (p.Glu519Ter)

Gene: POMT2 (protein O-mannosyltransferase 2; minus strand). Cytogenetic location: 14q24.3.
Variant type: single nucleotide variant.
Coding change: c.1555G>T on transcript NM_013382.7 (MANE Select); coding-DNA position 1555, G replaced by T.
Protein change: p.Glu519Ter; replaces glutamic acid 519 with a stop codon.
Molecular consequence: nonsense.
Genome position (GRCh38, 1-based): chr14:77,284,971, C>A on the plus strand (G>T on the coding strand, the complement: POMT2 is on the minus strand). VCF-style: chr14-77284971-C-A. GRCh37 (hg19) VCF-style: chr14-77751314-C-A.
Other names: short protein forms E519*.
Identifiers: ClinVar variation 1074015 (VCV001074015.5), dbSNP rs1379963762, ClinGen allele CA390516843.